The following is an entry in ClinVar:

NM_001378328.1(CELSR1):c.4552G>T (p.Val1518Phe)

Gene: CELSR1 (cadherin EGF LAG seven-pass G-type receptor 1; minus strand). Cytogenetic location: 22q13.31.
Variant type: single nucleotide variant.
Coding change: c.4552G>T on transcript NM_001378328.1 (MANE Select); coding-DNA position 4552, G replaced by T.
Protein change: p.Val1518Phe; replaces valine 1518 with phenylalanine.
Molecular consequence: missense variant.
Genome position (GRCh38, 1-based): chr22:46,433,452, C>A on the plus strand (G>T on the coding strand, the complement: CELSR1 is on the minus strand). VCF-style: chr22-46433452-C-A. GRCh37 (hg19) VCF-style: chr22-46829349-C-A.
Other names: c.4552G>T, p.Val1518Phe (NM_014246.4); short protein forms V1518F.
Identifiers: ClinVar variation 3047930 (VCV003047930.2), dbSNP rs61737817, ClinGen allele CA10294603.

ClinVar aggregate classification (germline): Likely benign (0 of 4 stars; one submission).

Conditions:
CELSR1-related disorder. Also called: CELSR1-related condition.

Allele frequency attached by ClinVar (database versions not stated): 1000 Genomes Project 30x 0.00016; 1000 Genomes Project 0.00020; ESP Exome Variant Server 0.00046.
gnomAD v4.1: 785 of 1,614,044 alleles (0.049%); highest among the groups gnomAD compares: Non-Finnish European, 0.062%; no homozygotes.

Submission:

PreventionGenetics, part of Exact Sciences
Classification: Likely benign for CELSR1-related condition. Last evaluated: 2024-03-19. Review status: no assertion criteria provided. Collection method: clinical testing. Allele origin: germline.
Comment: This variant is classified as likely benign based on ACMG/AMP sequence variant interpretation guidelines (Richards et al. 2015 PMID: 25741868, with internal and published modifications).